The following is an entry in ClinVar:

NM_014028.4(OSTM1):c.*355A>G

Gene: OSTM1 (osteoclastogenesis associated transmembrane protein 1; minus strand). Cytogenetic location: 6q21.
Variant type: single nucleotide variant.
Coding change: c.*355A>G on transcript NM_014028.4 (MANE Select); 355 bases downstream of the stop codon, A replaced by G.
Molecular consequence: 3 prime UTR variant.
Genome position (GRCh38, 1-based): chr6:108,044,430, T>C on the plus strand (A>G on the coding strand, the complement: OSTM1 is on the minus strand). VCF-style: chr6-108044430-T-C. GRCh37 (hg19) VCF-style: chr6-108365634-T-C.
Identifiers: ClinVar variation 354975 (VCV000354975.5), dbSNP rs61491262, ClinGen allele CA10622723.

ClinVar aggregate classification (germline): Benign (1 of 4 stars; one submission).

Conditions:
Autosomal recessive osteopetrosis 5. Identifiers: Orphanet 85179, MedGen C1968603, MONDO:0009817, OMIM 259720.

Allele frequency attached by ClinVar (database versions not stated): gnomAD exomes 0.00074; 1000 Genomes Project 0.00419; 1000 Genomes Project 30x 0.00437; gnomAD 0.00596 and 0.00630; TOPMed 0.00626.
gnomAD v4.1: 909 of 168,112 alleles (0.54%); highest among the groups gnomAD compares: African/African-American, 2.1%; 10 homozygotes.

Submission:

Illumina Laboratory Services, Illumina
Classification: Benign for Autosomal recessive osteopetrosis 5. Last evaluated: 2018-01-12. Review status: criteria provided, single submitter. Criteria: ICSL Variant Classification Criteria 13 December 2019. Collection method: clinical testing. Allele origin: germline.
Comment: This variant was observed in the ICSL laboratory as part of a predisposition screen in an ostensibly healthy population. It had not been previously curated by ICSL or reported in the Human Gene Mutation Database (HGMD: prior to June 1st, 2018), and was therefore a candidate for classification through an automated scoring system. Utilizing variant allele frequency, disease prevalence and penetrance estimates, and inheritance mode, an automated score was calculated to assess if this variant is too frequent to cause the disease. Based on the score and internal cut-off values, a variant classified as benign is not then subjected to further curation. The score for this variant resulted in a classification of benign for this disease.